The following is an entry in ClinVar:

NM_012144.3(DNAI1):c.389del

Gene: DNAI1 (dynein axonemal intermediate chain 1; plus strand). Cytogenetic location: 9p13.3.
Variant type: Deletion.
Coding change: c.389del on transcript NM_012144.3; coding-DNA position 389, one base deleted (G; older notation c.389delG).
Molecular consequence: frameshift variant (on NM_001281428.2).
Genome position (GRCh38, 1-based): chr9:34,490,012, G deleted; the last of 2 consecutive G bases (chr9:34,490,011-34,490,012); deleting either gives the same sequence. VCF-style (leftmost placement, unchanged base first): chr9-34490010-AG-A. GRCh37 (hg19) VCF-style: chr9-34490008-AG-A.
Other names: c.401del, p.Gly134fs (NM_001281428.2); short protein forms G134fs.
Identifiers: ClinVar variation 4815546 (VCV004815546.1).

ClinVar aggregate classification (germline): Likely pathogenic (1 of 4 stars; one submission).

Conditions:
Primary ciliary dyskinesia. Also called: Ciliary dyskinesia. Identifiers: Orphanet 244, MedGen C0008780, MONDO:0016575, HP:0012265.

Submission:

Natera, Inc.
Classification: Likely pathogenic for Primary ciliary dyskinesia. Last evaluated: 2025-09-30. Review status: criteria provided, single submitter. Criteria: Natera Variant Classification Schema (03/2026). Collection method: clinical testing. Allele origin: germline.
Comment: The c.389del variant in DNAI1 is a frameshift variant predicted to shift the reading frame beginning at codon 130 and leads to a stop codon 8 codons downstream. This variant is expected to result in nonsense mediated decay, truncation, or a dysfunctional protein product. This variant is rare in the general population with a frequency below the threshold expected for the associated phenotype(s). Given the available evidence, this variant is classified as Likely Pathogenic.